The following is an entry in ClinVar:

ClinVar aggregate classification (germline): Benign/Likely benign. Review status: criteria provided, multiple submitters, no conflicts (2 of 4 stars). 3 submissions from 3 submitters: Benign (1); Likely benign (2). Last evaluated 2023-11-20.

Conditions:
Hypertrophic cardiomyopathy. Also called: HYPERTROPHIC MYOCARDIOPATHY. Identifiers: Orphanet 217569, MedGen C0007194, MeSH D002312, MONDO:0005045, HP:0001639.
Dilated cardiomyopathy 1R (CMD1R). Identifiers: Orphanet 154, Orphanet 54260, MedGen C3150681, MONDO:0013261, OMIM 613424.
Hypertrophic cardiomyopathy 11. Also called: ACTC1-Related Familial Hypertrophic Cardiomyopathy. Identifiers: MedGen C2677506, MONDO:0012799, OMIM 612098.
Atrial septal defect 5 (ASD5). Identifiers: Orphanet 1478, MedGen C2748552, MONDO:0013011, OMIM 612794.

Allele frequency attached by ClinVar (database versions not stated): TOPMed 0.00001; gnomAD 0.00002 and 0.00003.

Submissions (3):

All of Us Research Program, National Institutes of Health
Classification: Likely benign for Hypertrophic cardiomyopathy. Last evaluated: 2023-11-20. Review status: criteria provided, single submitter. Criteria: ACMG Guidelines, 2015. Collection method: clinical testing. Allele origin: germline. Inheritance: Autosomal dominant inheritance. Observed: 1 variant allele, 1 heterozygote.
Comment: This study involves interpretation of variants in research participants for the purpose of population health screening. Participant phenotype was not available at the time of variant classification. Additional details can be found in publication PMID: 35346344, PMCID: PMC8962531

Labcorp Genetics (formerly Invitae), Labcorp
Classification: Likely benign for Dilated cardiomyopathy 1R; Hypertrophic cardiomyopathy 11; Atrial septal defect 5. Last evaluated: 2023-03-19. Review status: criteria provided, single submitter. Criteria: Invitae Variant Classification Sherloc (09022015). Collection method: clinical testing. Allele origin: germline.

GeneDx
Classification: Benign. Last evaluated: 2015-03-03. Review status: criteria provided, single submitter. Criteria: GeneDx Variant Classification Process June 2021. Collection method: clinical testing. Allele origin: germline. Affected: yes.

NM_005159.5(ACTC1):c.84G>T (p.Ala28=)

Genes: GJD2-DT (GJD2 divergent transcript; plus strand), ACTC1 (actin alpha cardiac muscle 1; minus strand). Cytogenetic location: 15q14.
Variant type: single nucleotide variant.
Coding change: c.84G>T on transcript NM_005159.5 (MANE Select); coding-DNA position 84, G replaced by T.
Protein change: p.Ala28=; no amino-acid change (alanine 28 retained).
Molecular consequence: synonymous variant.
Genome position (GRCh38, 1-based): chr15:34,794,725, C>A on the plus strand (G>T on the coding strand, the complement: ACTC1 is on the minus strand). VCF-style: chr15-34794725-C-A. GRCh37 (hg19) VCF-style: chr15-35086926-C-A.
Identifiers: ClinVar variation 760930 (VCV000760930.11), dbSNP rs1008290796, ClinGen allele CA268664784.